The following is an entry in ClinVar:

NM_022168.4(IFIH1):c.797G>A (p.Ser266Asn)

Gene: IFIH1 (interferon induced with helicase C domain 1; minus strand). Cytogenetic location: 2q24.2.
Variant type: single nucleotide variant.
Coding change: c.797G>A on transcript NM_022168.4 (MANE Select); coding-DNA position 797, G replaced by A.
Protein change: p.Ser266Asn; replaces serine 266 with asparagine.
Molecular consequence: missense variant.
Genome position (GRCh38, 1-based): chr2:162,293,641, C>T on the plus strand (G>A on the coding strand, the complement: IFIH1 is on the minus strand). VCF-style: chr2-162293641-C-T. GRCh37 (hg19) VCF-style: chr2-163150151-C-T.
Other names: short protein forms S266N.
Identifiers: ClinVar variation 2924597 (VCV002924597.3), dbSNP rs768670882, ClinGen allele CA349006131.

ClinVar aggregate classification (germline): Uncertain significance (1 of 4 stars; one submission).

Conditions:
Singleton-Merten syndrome 1 (SGMRT1). Also called: Widened medullary cavities of bone, aortic calcification, abnormal dentition, and muscular weakness; Syndrome of widened medullary cavities of the metacarpals and phalanges, aortic calcification and abnormal dentition. Identifiers: Orphanet 85191, MedGen C4225427, MONDO:0024535, OMIM 182250.
Aicardi-Goutieres syndrome 7 (AGS7). Identifiers: Orphanet 51, MedGen C3888244, MONDO:0014367, OMIM 615846.

gnomAD v4.1: 3 of 1,610,836 alleles (0.00019%); highest among the groups gnomAD compares: Non-Finnish European, 0.00025%; no homozygotes.

Submission:

Labcorp Genetics (formerly Invitae), Labcorp
Classification: Uncertain significance for Aicardi-Goutieres syndrome 7; Singleton-Merten syndrome 1. Last evaluated: 2023-12-28. Review status: criteria provided, single submitter. Criteria: Invitae Variant Classification Sherloc (09022015). Collection method: clinical testing. Allele origin: germline.
Comment: This sequence change replaces serine, which is neutral and polar, with asparagine, which is neutral and polar, at codon 266 of the IFIH1 protein (p.Ser266Asn). This variant is not present in population databases (gnomAD no frequency). This variant has not been reported in the literature in individuals affected with IFIH1-related conditions. Advanced modeling of protein sequence and biophysical properties (such as structural, functional, and spatial information, amino acid conservation, physicochemical variation, residue mobility, and thermodynamic stability) has been performed at Invitae for this missense variant, however the output from this modeling did not meet the statistical confidence thresholds required to predict the impact of this variant on IFIH1 protein function. In summary, the available evidence is currently insufficient to determine the role of this variant in disease. Therefore, it has been classified as a Variant of Uncertain Significance.